The following is an entry in ClinVar:

ClinVar aggregate classification (germline): Pathogenic (1 of 4 stars; one submission).

Conditions:
Joubert syndrome. Also called: JOUBERT-BOLTSHAUSER SYNDROME; Familial aplasia of the vermis. Identifiers: Orphanet 475, MedGen C5979921, MONDO:0018772.
Meckel-Gruber syndrome. Also called: DYSENCEPHALIA SPLANCHNOCYSTICA; GRUBER SYNDROME; Dysencephalia splachnocystica. Identifiers: Orphanet 564, MedGen C0265215, MONDO:0018921.

Submission:

Labcorp Genetics (formerly Invitae), Labcorp
Classification: Pathogenic for Joubert syndrome; Meckel-Gruber syndrome. Last evaluated: 2023-08-23. Review status: criteria provided, single submitter. Criteria: Invitae Variant Classification Sherloc (09022015). Collection method: clinical testing. Allele origin: germline.
Comment: This sequence change creates a premature translational stop signal (p.Gly102*) in the CC2D2A gene. It is expected to result in an absent or disrupted protein product. Loss-of-function variants in CC2D2A are known to be pathogenic (PMID: 19777577). For these reasons, this variant has been classified as Pathogenic. This variant is not present in population databases (gnomAD no frequency). This variant has not been reported in the literature in individuals affected with CC2D2A-related conditions.

Literature cited by the submitters: PubMed 19777577.

NM_001378615.1(CC2D2A):c.304G>T (p.Gly102Ter)

Genes: CC2D2A (coiled-coil and C2 domain containing 2A; plus strand), FBXL5 (F-box and leucine rich repeat protein 5; minus strand). Cytogenetic location: 4p15.32.
Variant type: single nucleotide variant.
Coding change: c.304G>T on transcript NM_001378615.1 (MANE Select); coding-DNA position 304, G replaced by T.
Protein change: p.Gly102Ter; replaces glycine 102 with a stop codon.
Molecular consequence: nonsense.
Genome position (GRCh38, 1-based): chr4:15,502,485, G>T. VCF-style: chr4-15502485-G-T. GRCh37 (hg19) VCF-style: chr4-15504108-G-T.
Other names: c.304G>T, p.Gly102Ter (NM_001080522.2); c.157G>T, p.Gly53Ter (NM_001378617.1); short protein forms G102*, G53*.
Identifiers: ClinVar variation 2951207 (VCV002951207.3), dbSNP rs1278804341, ClinGen allele CA356408159.